The following is an entry in ClinVar:

ClinVar aggregate classification (germline): Uncertain significance. Review status: criteria provided, multiple submitters, no conflicts (2 of 4 stars). 6 submissions from 6 submitters: Uncertain significance (6). Last evaluated 2026-01-28.

Conditions:
Aortic aneurysm, familial thoracic 4 (AAT4). Also called: AORTIC ANEURYSM/AORTIC DISSECTION AND PATENT DUCTUS ARTERIOSUS. Identifiers: MedGen C1851504, MONDO:0007568, OMIM 132900.
Megacystis-microcolon-intestinal hypoperistalsis syndrome 2. Identifiers: MedGen C5543476, MONDO:0025708, OMIM 619351.
Visceral myopathy 2. Identifiers: MedGen C5543466, MONDO:0859157, OMIM 619350.
Familial thoracic aortic aneurysm and aortic dissection (TAAD). Also called: Thoracic aortic aneurysms and dissections. Identifiers: Orphanet 91387, MedGen C4707243, MONDO:0019625.

Allele frequency attached by ClinVar (database versions not stated): gnomAD 0.00001 and 0.00002; gnomAD exomes 0.00002; TOPMed 0.00002; ESP Exome Variant Server 0.00008.
gnomAD v4.1: 48 of 1,613,820 alleles (0.003%); highest among the groups gnomAD compares: Non-Finnish European, 0.0036%; no homozygotes.

Submissions (6):

Labcorp Genetics (formerly Invitae), Labcorp
Classification: Uncertain significance for Aortic aneurysm, familial thoracic 4. Last evaluated: 2026-01-28. Review status: criteria provided, single submitter. Criteria: Invitae Variant Classification Sherloc (09022015). Collection method: clinical testing. Allele origin: germline.
Comment: This sequence change replaces alanine, which is neutral and non-polar, with valine, which is neutral and non-polar, at codon 2 of the MYH11 protein (p.Ala2Val). This variant is present in population databases (rs150600829, gnomAD 0.006%). This missense change has been observed in individual(s) with aortic aneurysm (PMID: 36788754). ClinVar contains an entry for this variant (Variation ID: 629553). An algorithm developed to predict the effect of missense changes on protein structure and function (PolyPhen-2) suggests that this variant is likely to be tolerated. In summary, the available evidence is currently insufficient to determine the role of this variant in disease. Therefore, it has been classified as a Variant of Uncertain Significance.

All of Us Research Program, National Institutes of Health
Classification: Uncertain significance for Familial thoracic aortic aneurysm and aortic dissection. Last evaluated: 2024-09-23. Review status: criteria provided, single submitter. Criteria: ACMG Guidelines, 2015. Collection method: clinical testing. Allele origin: germline. Inheritance: Autosomal dominant inheritance. Observed: 12 variant alleles, 12 heterozygotes.
Comment: This missense variant replaces alanine with valine at codon 2 of the MYH11 protein. Computational prediction suggests that this variant may not impact protein structure and function (internally defined REVEL score threshold <= 0.5, PMID: 27666373). To our knowledge, functional studies have not been reported for this variant. This variant has not been reported in individuals affected with cardiovascular disorders in the literature. This variant has been identified in 4/249076 chromosomes in the general population by the Genome Aggregation Database (gnomAD). The available evidence is insufficient to determine the role of this variant in disease conclusively. Therefore, this variant is classified as a Variant of Uncertain Significance.

This study involves interpretation of variants in research participants for the purpose of population health screening. Participant phenotype was not available at the time of variant classification. Additional details can be found in publication PMID: 35346344, PMCID: PMC8962531

Ambry Genetics
Classification: Uncertain significance for Familial thoracic aortic aneurysm and aortic dissection. Last evaluated: 2024-08-27. Review status: criteria provided, single submitter. Criteria: Ambry Variant Classification Scheme 2023. Collection method: clinical testing. Allele origin: germline.
Comment: The p.A2V variant (also known as c.5C>T), located in coding exon 1 of the MYH11 gene, results from a C to T substitution at nucleotide position 5. The alanine at codon 2 is replaced by valine, an amino acid with similar properties. This amino acid position is well conserved in available vertebrate species. In addition, the in silico prediction for this alteration is inconclusive. Since supporting evidence is limited at this time, the clinical significance of this alteration remains unclear.

Color Diagnostics, LLC DBA Color Health
Classification: Uncertain significance for Familial thoracic aortic aneurysm and aortic dissection. Last evaluated: 2024-03-29. Review status: criteria provided, single submitter. Criteria: ACMG Guidelines, 2015. Collection method: clinical testing. Allele origin: germline.
Comment: This missense variant replaces alanine with valine at codon 2 of the MYH11 protein. Computational prediction tools indicate that this variant has a neutral impact on protein structure and function. To our knowledge, functional studies have not been reported for this variant. This variant has not been reported in individuals affected with MYH11-related disorders in the literature. This variant has been identified in 4/249076 chromosomes in the general population by the Genome Aggregation Database (gnomAD). The available evidence is insufficient to determine the role of this variant in disease conclusively. Therefore, this variant is classified as a Variant of Uncertain Significance.

GeneDx
Classification: Uncertain significance. Last evaluated: 2022-08-29. Review status: criteria provided, single submitter. Criteria: GeneDx Variant Classification Process June 2021. Collection method: clinical testing. Allele origin: germline. Affected: yes.
Comment: Has not been previously published as pathogenic or benign to our knowledge; Not observed at significant frequency in large population cohorts (gnomAD); In silico analysis supports that this missense variant does not alter protein structure/function

Fulgent Genetics
Classification: Uncertain significance for Aortic aneurysm, familial thoracic 4; Visceral myopathy 2; Megacystis-microcolon-intestinal hypoperistalsis syndrome 2. Last evaluated: 2021-09-16. Review status: criteria provided, single submitter. Criteria: ACMG Guidelines, 2015. Collection method: clinical testing. Allele origin: unknown.

Literature cited by the submitters: PubMed 36788754 (cited by Labcorp Genetics (formerly Invitae), Labcorp).

NM_002474.3(MYH11):c.5C>T (p.Ala2Val)

Gene: MYH11 (myosin heavy chain 11; minus strand). Cytogenetic location: 16p13.11.
Variant type: single nucleotide variant.
Coding change: c.5C>T on transcript NM_002474.3 (MANE Select); coding-DNA position 5, C replaced by T.
Protein change: p.Ala2Val; replaces alanine 2 with valine.
Molecular consequence: missense variant.
Genome position (GRCh38, 1-based): chr16:15,838,248, G>A on the plus strand (C>T on the coding strand, the complement: MYH11 is on the minus strand). VCF-style: chr16-15838248-G-A. GRCh37 (hg19) VCF-style: chr16-15932105-G-A.
Other names: c.5C>T, p.Ala2Val (NM_001040113.2, NM_001040114.2, NM_022844.3); short protein forms A2V.
Identifiers: ClinVar variation 629553 (VCV000629553.20), dbSNP rs150600829, ClinGen allele CA278998957.